The following is an entry in ClinVar:

NM_002226.5(JAG2):c.470C>T (p.Pro157Leu)

Gene: JAG2 (jagged canonical Notch ligand 2; minus strand). Cytogenetic location: 14q32.33.
Variant type: single nucleotide variant.
Coding change: c.470C>T on transcript NM_002226.5 (MANE Select); coding-DNA position 470, C replaced by T.
Protein change: p.Pro157Leu; replaces proline 157 with leucine.
Molecular consequence: missense variant.
Genome position (GRCh38, 1-based): chr14:105,157,711, G>A on the plus strand (C>T on the coding strand, the complement: JAG2 is on the minus strand). VCF-style: chr14-105157711-G-A. GRCh37 (hg19) VCF-style: chr14-105624048-G-A.
Other names: p.Pro157Leu; c.470C>T, p.Pro157Leu (NM_145159.3); c.470C>T (NM_002226.3); short protein forms P157L.
Identifiers: ClinVar variation 2683283 (VCV002683283.2), dbSNP rs746204393, ClinGen allele CA7386453.

ClinVar aggregate classification (germline): Uncertain significance. Review status: criteria provided, multiple submitters, no conflicts (2 of 4 stars). 2 submissions from 2 submitters: Uncertain significance (2). Last evaluated 2024-10-09.

Allele frequency attached by ClinVar (database versions not stated): gnomAD 0.00001; gnomAD exomes 0.00001; TOPMed 0.00002; ExAC 0.00004.
gnomAD v4.1: 15 of 1,565,270 alleles (0.00096%); highest among the groups gnomAD compares: Middle Eastern, 0.067%; no homozygotes.

Submissions (2):

Ambry Genetics
Classification: Uncertain significance. Last evaluated: 2024-10-09. Review status: criteria provided, single submitter. Criteria: Ambry Variant Classification Scheme 2023. Collection method: clinical testing. Allele origin: germline.

Mayo Clinic Laboratories, Mayo Clinic
Classification: Uncertain significance. Last evaluated: 2023-06-27. Review status: criteria provided, single submitter. Criteria: ACMG Guidelines, 2015. Collection method: clinical testing. Allele origin: germline. Observed: 1 variant allele.
Comment: BP4